The following is an entry in ClinVar:

NM_015213.4(DENND5A):c.2813A>G (p.Asn938Ser)

Gene: DENND5A (DENN domain containing 5A; minus strand). Cytogenetic location: 11p15.4.
Variant type: single nucleotide variant.
Coding change: c.2813A>G on transcript NM_015213.4 (MANE Select); coding-DNA position 2813, A replaced by G.
Protein change: p.Asn938Ser; replaces asparagine 938 with serine.
Molecular consequence: missense variant. On other transcripts: non-coding transcript variant (1).
Genome position (GRCh38, 1-based): chr11:9,147,074, T>C on the plus strand (A>G on the coding strand, the complement: DENND5A is on the minus strand). VCF-style: chr11-9147074-T-C. GRCh37 (hg19) VCF-style: chr11-9168621-T-C.
Other names: c.2813A>G (NM_015213.3); c.2813A>G, p.Asn938Ser (NM_001243254.2); c.2741A>G, p.Asn914Ser (NM_001348749.2); c.2525A>G, p.Asn842Ser (NM_001348750.2); short protein forms N914S, N938S, N842S.
Identifiers: ClinVar variation 1434893 (VCV001434893.4), dbSNP rs140691520, ClinGen allele CA5877223.

ClinVar aggregate classification (germline): Uncertain significance. Review status: criteria provided, multiple submitters, no conflicts (2 of 4 stars). 2 submissions from 2 submitters: Uncertain significance (2). Last evaluated 2025-01-03.

Allele frequency attached by ClinVar (database versions not stated): gnomAD exomes 0.00006 and 0.00012; ExAC 0.00015; 1000 Genomes Project 30x 0.00016; 1000 Genomes Project 0.00020; ESP Exome Variant Server 0.00031; gnomAD 0.00040 and 0.00045; TOPMed 0.00046.
gnomAD v4.1: 150 of 1,614,146 alleles (0.0093%); highest among the groups gnomAD compares: African/African-American, 0.17%; no homozygotes.

Submissions (2):

GeneDx
Classification: Uncertain significance. Last evaluated: 2025-01-03. Review status: criteria provided, single submitter. Criteria: GeneDx Variant Classification Process June 2021. Collection method: clinical testing. Allele origin: germline. Affected: yes.
Comment: In silico analysis supports that this missense variant has a deleterious effect on protein structure/function; Has not been previously published as pathogenic or benign to our knowledge

Labcorp Genetics (formerly Invitae), Labcorp
Classification: Uncertain significance. Last evaluated: 2022-08-19. Review status: criteria provided, single submitter. Criteria: Invitae Variant Classification Sherloc (09022015). Collection method: clinical testing. Allele origin: germline.
Comment: This sequence change replaces asparagine, which is neutral and polar, with serine, which is neutral and polar, at codon 938 of the DENND5A protein (p.Asn938Ser). This variant is present in population databases (rs140691520, gnomAD 0.2%). This variant has not been reported in the literature in individuals affected with DENND5A-related conditions. ClinVar contains an entry for this variant (Variation ID: 1434893). Algorithms developed to predict the effect of missense changes on protein structure and function are either unavailable or do not agree on the potential impact of this missense change (SIFT: "Deleterious"; PolyPhen-2: "Benign"; Align-GVGD: "Class C0"). Algorithms developed to predict the effect of sequence changes on RNA splicing suggest that this variant may create or strengthen a splice site. In summary, the available evidence is currently insufficient to determine the role of this variant in disease. Therefore, it has been classified as a Variant of Uncertain Significance.